The following is an entry in ClinVar:

ClinVar aggregate classification (germline): Uncertain significance (1 of 4 stars; one submission).

Conditions:
Age related macular degeneration 13. Identifiers: MedGen C3809523, MONDO:0014189, OMIM 615439.

Submission:

OLLIN Analises Genomicas, OLLIN
Classification: Uncertain significance for Age related macular degeneration 13. Last evaluated: 2026-08-06. Review status: criteria provided, single submitter. Criteria: ACMG Guidelines 2015 PMID 25741868. Collection method: clinical testing. Allele origin: germline. Inheritance: Autosomal recessive inheritance.
Comment: This missense variant, located in exon 11 (of 13), is absent from gnomAD and ClinVar and has not been identified in the literature. In silico analysis predicts that this variant has a deleterious effect. Another pathogenic variant has been reported to result in the same amino acid substitution. According to the currently available evidence, this variant has been classified as uncertain significance (PS1_M, PM2_P, PP3).

NM_000204.5(CFI):c.1428A>C (p.Lys476Asn)

Gene: CFI (complement factor I; minus strand). Cytogenetic location: 4q25.
Variant type: single nucleotide variant.
Coding change: c.1428A>C on transcript NM_000204.5 (MANE Select); coding-DNA position 1428, A replaced by C.
Protein change: p.Lys476Asn; replaces lysine 476 with asparagine.
Molecular consequence: missense variant. On other transcripts: non-coding transcript variant (2).
Genome position (GRCh38, 1-based): chr4:109,746,223, T>G on the plus strand (A>C on the coding strand, the complement: CFI is on the minus strand). VCF-style: chr4-109746223-T-G. GRCh37 (hg19) VCF-style: chr4-110667379-T-G.
Other names: c.1452A>C, p.Lys484Asn (NM_001318057.2, NM_001375278.1, NM_001440988.1); c.1407A>C, p.Lys469Asn (NM_001331035.2, NM_001375280.1, NM_001375282.1 and 1 more transcripts); c.1428A>C, p.Lys476Asn (NM_001375279.1, NM_001375281.1, NM_001440989.1); c.1371A>C, p.Lys457Asn (NM_001375283.1); c.819A>C, p.Lys273Asn (NM_001375284.1); c.1449A>C, p.Lys483Asn (NM_001440985.1, NM_001440986.1); short protein forms K457N, K469N, K483N, K273N, K476N, K484N.
Identifiers: ClinVar variation 5003178 (VCV005003178.1).